The following is an entry in ClinVar:

NM_000368.5(TSC1):c.418C>G (p.Leu140Val)

Gene: TSC1 (TSC complex subunit 1; minus strand). Cytogenetic location: 9q34.13.
Variant type: single nucleotide variant.
Coding change: c.418C>G on transcript NM_000368.5 (MANE Select); coding-DNA position 418, C replaced by G.
Protein change: p.Leu140Val; replaces leucine 140 with valine.
Molecular consequence: missense variant.
Genome position (GRCh38, 1-based): chr9:132,923,438, G>C on the plus strand (C>G on the coding strand, the complement: TSC1 is on the minus strand). VCF-style: chr9-132923438-G-C. GRCh37 (hg19) VCF-style: chr9-135798825-G-C.
Other names: c.418C>G, p.Leu140Val (NM_001162426.2); c.265C>G, p.Leu89Val (NM_001162427.2); c.55C>G, p.Leu19Val (NM_001362177.2); short protein forms L140V, L19V, L89V.
Identifiers: ClinVar variation 466142 (VCV000466142.15), dbSNP rs1554819915, ClinGen allele CA375373523.

ClinVar aggregate classification (germline): Conflicting classifications of pathogenicity. Review status: criteria provided, conflicting classifications (1 of 4 stars). 3 submissions from 3 submitters: Uncertain significance (2); Likely benign (1). Last evaluated 2025-06-16.

Conditions:
Hereditary cancer-predisposing syndrome. Also called: Hereditary neoplastic syndrome; Neoplastic Syndromes, Hereditary; Tumor predisposition; Hereditary Cancer Syndrome. Identifiers: Orphanet 140162, MedGen C0027672, MeSH D009386, MONDO:0015356.
Tuberous sclerosis 1 (TSC1). Identifiers: Orphanet 805, MedGen C1854465, MONDO:0008612, OMIM 191100.

Allele frequency attached by ClinVar (database versions not stated): gnomAD exomes below 0.00001; gnomAD 0.00001.

Submissions (3):

Labcorp Genetics (formerly Invitae), Labcorp
Classification: Likely benign for Tuberous sclerosis 1. Last evaluated: 2025-06-16. Review status: criteria provided, single submitter. Criteria: Invitae Variant Classification Sherloc (09022015). Collection method: clinical testing. Allele origin: germline.

Ambry Genetics
Classification: Uncertain significance for Hereditary cancer-predisposing syndrome. Last evaluated: 2024-09-09. Review status: criteria provided, single submitter. Criteria: Ambry Variant Classification Scheme 2023. Collection method: clinical testing. Allele origin: germline.
Comment: The p.L140V variant (also known as c.418C>G), located in coding exon 4 of the TSC1 gene, results from a C to G substitution at nucleotide position 418. The leucine at codon 140 is replaced by valine, an amino acid with highly similar properties. This amino acid position is highly conserved in available vertebrate species. In addition, this alteration is predicted to be deleterious by in silico analysis. Based on the available evidence, the clinical significance of this variant remains unclear.

GeneDx
Classification: Uncertain significance. Last evaluated: 2022-05-27. Review status: criteria provided, single submitter. Criteria: GeneDx Variant Classification Process June 2021. Collection method: clinical testing. Allele origin: germline. Affected: yes.
Comment: Not observed at significant frequency in large population cohorts (gnomAD); In silico analysis supports that this missense variant has a deleterious effect on protein structure/function; Has not been previously published as pathogenic or benign to our knowledge